The following is an entry in ClinVar:

NM_022124.6(CDH23):c.269G>A (p.Arg90Gln)

Genes: CDH23 (cadherin related 23; plus strand), CDH23-AS1 (CDH23 antisense RNA 1; minus strand). Cytogenetic location: 10q22.1.
Variant type: single nucleotide variant.
Coding change: c.269G>A on transcript NM_022124.6 (MANE Select); coding-DNA position 269, G replaced by A.
Protein change: p.Arg90Gln; replaces arginine 90 with glutamine.
Molecular consequence: missense variant.
Genome position (GRCh38, 1-based): chr10:71,510,205, G>A. VCF-style: chr10-71510205-G-A. GRCh37 (hg19) VCF-style: chr10-73269962-G-A.
Other names: c.269G>A, p.Arg90Gln (NM_001171930.2, NM_001171931.2, NM_001171932.2 and 1 more transcripts); short protein forms R90Q.
Identifiers: ClinVar variation 45899 (VCV000045899.32), dbSNP rs397517317, ClinGen allele CA137332.

ClinVar aggregate classification (germline): Uncertain significance. Review status: criteria provided, multiple submitters, no conflicts (2 of 4 stars). 8 submissions from 8 submitters: Uncertain significance (6). 2 of the submissions do not count toward it. Last evaluated 2026-09-09.

Conditions:
Pituitary adenoma 5, multiple types. Identifiers: MedGen C4539685, MONDO:0054601, OMIM 617540.
Usher syndrome type 1D (USH1D). Also called: USHER SYNDROME, TYPE ID. Identifiers: Orphanet 231169, Orphanet 886, MedGen C1832845, MONDO:0010984, OMIM 601067.
Autosomal recessive nonsyndromic hearing loss 12. Also called: DEAFNESS, AUTOSOMAL RECESSIVE 12. Identifiers: Orphanet 90636, MedGen C1832394, MONDO:0011067, OMIM 601386.
Retinal dystrophy. Also called: Inherited retinal dystrophy. Identifiers: Orphanet 71862, MedGen C0854723, MeSH D058499, MONDO:0019118, HP:0000556.
Usher syndrome type 1 (USH1). Also called: RETINITIS PIGMENTOSA AND CONGENITAL DEAFNESS. Identifiers: Orphanet 231169, Orphanet 886, MedGen C1568247, MONDO:0010168, OMIM 276900.

Allele frequency attached by ClinVar (database versions not stated): gnomAD exomes 0.00003; TOPMed 0.00003; gnomAD 0.00004 and 0.00005; ExAC 0.00005; 1000 Genomes Project 30x 0.00016; 1000 Genomes Project 0.00020.
gnomAD v4.1: 32 of 1,613,694 alleles (0.002%); highest among the groups gnomAD compares: South Asian, 0.0077%; no homozygotes.

Submissions (8):

GeneDx
Classification: Uncertain significance. Last evaluated: 2026-09-09. Review status: criteria provided, single submitter. Criteria: GeneDx Variant Classification Process June 2021. Collection method: clinical testing. Allele origin: germline.
Comment: In silico analysis suggests that this missense variant does not alter protein structure/function; Has not been previously published as pathogenic or benign to our knowledge

Baylor Genetics
Classification: Uncertain significance for Pituitary adenoma 5, multiple types. Last evaluated: 2024-03-11. Review status: criteria provided, single submitter. Criteria: ACMG Guidelines, 2015. Collection method: clinical testing. Allele origin: unknown.

CeGaT Center for Human Genetics Tuebingen
Classification: Uncertain significance. Last evaluated: 2024-01-01. Review status: criteria provided, single submitter. Criteria: CeGaT Center For Human Genetics Tuebingen Variant Classification Criteria Version 2. Collection method: clinical testing. Allele origin: germline. Affected: yes. Observed: 1 variant allele.
Comment: CDH23: PM2, BP4

Labcorp Genetics (formerly Invitae), Labcorp
Classification: Uncertain significance. Last evaluated: 2021-12-03. Review status: criteria provided, single submitter. Criteria: Invitae Variant Classification Sherloc (09022015). Collection method: clinical testing. Allele origin: germline.
Comment: This sequence change replaces arginine, which is basic and polar, with glutamine, which is neutral and polar, at codon 90 of the CDH23 protein (p.Arg90Gln). This variant is present in population databases (rs397517317, gnomAD 0.02%). This variant has not been reported in the literature in individuals affected with CDH23-related conditions. ClinVar contains an entry for this variant (Variation ID: 45899). Algorithms developed to predict the effect of missense changes on protein structure and function are either unavailable or do not agree on the potential impact of this missense change (SIFT: "Deleterious"; PolyPhen-2: "Not Available"; Align-GVGD: "Class C0"). Algorithms developed to predict the effect of sequence changes on RNA splicing suggest that this variant may create or strengthen a splice site. In summary, the available evidence is currently insufficient to determine the role of this variant in disease. Therefore, it has been classified as a Variant of Uncertain Significance.

Fulgent Genetics
Classification: Uncertain significance for Usher syndrome type 1D; Autosomal recessive nonsyndromic hearing loss 12; Pituitary adenoma 5, multiple types. Last evaluated: 2021-12-02. Review status: criteria provided, single submitter. Criteria: ACMG Guidelines, 2015. Collection method: clinical testing. Allele origin: unknown.

Laboratory for Molecular Medicine, Mass General Brigham Personalized Medicine
Classification: Uncertain significance. Last evaluated: 2011-11-02. Review status: criteria provided, single submitter. Criteria: LMM Criteria. Collection method: clinical testing. Allele origin: germline. Observed: 1 variant allele.
Comment: The Arg90Gln variant in CDH23 has not been reported in the literature nor previo usly identified by our laboratory. Computational analyses (biochemical amino aci d properties, homology, PolyPhen2, SIFT, AlignGVGD) do not provide strong suppor t for or against pathogenicity. In summary, the clinical significance of this va riant cannot be determined with certainty at this time.

Institute of Human Genetics, Univ. Regensburg, Univ. Regensburg
Classification: Uncertain significance for Retinal dystrophy. Last evaluated: 2022-01-01. Review status: no assertion criteria provided. Criteria: ACMG Guidelines, 2015. Collection method: clinical testing. Allele origin: germline. Affected: yes. Not counted in ClinVar's aggregate classification.

Natera, Inc.
Classification: Uncertain significance for Usher syndrome type 1. Last evaluated: 2019-10-28. Review status: no assertion criteria provided. Collection method: clinical testing. Allele origin: germline. Not counted in ClinVar's aggregate classification.